The following is an entry in ClinVar:

NM_001382567.1(STIM1):c.1329C>G (p.Asn443Lys)

Gene: STIM1 (stromal interaction molecule 1; plus strand). Cytogenetic location: 11p15.4.
Variant type: single nucleotide variant.
Coding change: c.1329C>G on transcript NM_001382567.1 (MANE Select); coding-DNA position 1329, C replaced by G.
Protein change: p.Asn443Lys; replaces asparagine 443 with lysine.
Molecular consequence: missense variant. On other transcripts: non-coding transcript variant (2).
Genome position (GRCh38, 1-based): chr11:4,083,353, C>G. VCF-style: chr11-4083353-C-G. GRCh37 (hg19) VCF-style: chr11-4104583-C-G.
Other names: c.1329C>G, p.Asn443Lys (NM_001277961.3, NM_001277962.2, NM_003156.4); c.1107C>G, p.Asn369Lys (NM_001382566.1, NM_001382573.1, NM_001382575.1 and 4 more transcripts); c.1350C>G, p.Asn450Lys (NM_001382568.1); c.1194C>G, p.Asn398Lys (NM_001382569.1); c.1101C>G, p.Asn367Lys (NM_001382570.1); c.849C>G, p.Asn283Lys (NM_001382571.1); c.840C>G, p.Asn280Lys (NM_001382580.1, NM_001382581.1); short protein forms N280K, N283K, N367K, N369K, N398K, N443K, N450K.
Identifiers: ClinVar variation 3252930 (VCV003252930.1), dbSNP rs2498477933.

ClinVar aggregate classification (germline): Uncertain significance (1 of 4 stars; one submission).

Submission:

GeneDx
Classification: Uncertain significance. Last evaluated: 2023-06-08. Review status: criteria provided, single submitter. Criteria: GeneDx Variant Classification Process June 2021. Collection method: clinical testing. Allele origin: germline. Affected: yes.
Comment: Not observed at significant frequency in large population cohorts (gnomAD); In silico analysis supports that this missense variant has a deleterious effect on protein structure/function; Has not been previously published as pathogenic or benign to our knowledge